The following is an entry in ClinVar:

ClinVar aggregate classification (germline): Uncertain significance (1 of 4 stars; one submission).

Conditions:
Pseudohypoaldosteronism type 2C (PHA2C). Also called: Pseudohypoaldosteronism Type IIC. Identifiers: Orphanet 757, Orphanet 88940, MedGen C1840391, MONDO:0013778, OMIM 614492.
Neuropathy, hereditary sensory and autonomic, type 2A (HSAN2A). Also called: ACROOSTEOLYSIS, GIACCAI TYPE; ACROOSTEOLYSIS, NEUROGENIC; HSAN IIA; WNK1-Related HSAN2 (HSAN2A); MORVAN DISEASE; NEUROPATHY, CONGENITAL SENSORY. Identifiers: Orphanet 970, MedGen C2752089, MONDO:0024309, OMIM 201300.

Submission:

Labcorp Genetics (formerly Invitae), Labcorp
Classification: Uncertain significance for Neuropathy, hereditary sensory and autonomic, type 2A; Pseudohypoaldosteronism type 2C. Last evaluated: 2024-10-30. Review status: criteria provided, single submitter. Criteria: Invitae Variant Classification Sherloc (09022015). Collection method: clinical testing. Allele origin: germline.
Comment: This sequence change replaces proline, which is neutral and non-polar, with serine, which is neutral and polar, at codon 2251 of the WNK1 protein (p.Pro2251Ser). This variant is not present in population databases (gnomAD no frequency). This variant has not been reported in the literature in individuals affected with WNK1-related conditions. ClinVar contains an entry for this variant (Variation ID: 664585). Invitae Evidence Modeling of protein sequence and biophysical properties (such as structural, functional, and spatial information, amino acid conservation, physicochemical variation, residue mobility, and thermodynamic stability) indicates that this missense variant is not expected to disrupt WNK1 protein function with a negative predictive value of 95%. In summary, the available evidence is currently insufficient to determine the role of this variant in disease. Therefore, it has been classified as a Variant of Uncertain Significance.

NM_018979.4(WNK1):c.5995C>T (p.Pro1999Ser)

Gene: WNK1 (WNK lysine deficient protein kinase 1; plus strand). Cytogenetic location: 12p13.33.
Variant type: single nucleotide variant.
Coding change: c.5995C>T on transcript NM_018979.4 (MANE Select); coding-DNA position 5995, C replaced by T.
Protein change: p.Pro1999Ser; replaces proline 1999 with serine.
Molecular consequence: missense variant.
Genome position (GRCh38, 1-based): chr12:896,482, C>T. VCF-style: chr12-896482-C-T. GRCh37 (hg19) VCF-style: chr12-1005648-C-T.
Other names: c.6775C>T, p.Pro2259Ser (NM_001184985.2); c.5251C>T, p.Pro1751Ser (NM_014823.3); c.6751C>T, p.Pro2251Ser (NM_213655.5); short protein forms P1999S, P1751S, P2251S, P2259S.
Identifiers: ClinVar variation 664585 (VCV000664585.8), dbSNP rs1592227514, ClinGen allele CA383336052.